The following is an entry in ClinVar:

NM_000553.6(WRN):c.1942G>A (p.Gly648Ser)

Gene: WRN (WRN RecQ like helicase; plus strand). Cytogenetic location: 8p12.
Variant type: single nucleotide variant.
Coding change: c.1942G>A on transcript NM_000553.6 (MANE Select); coding-DNA position 1942, G replaced by A.
Protein change: p.Gly648Ser; replaces glycine 648 with serine.
Molecular consequence: missense variant.
Genome position (GRCh38, 1-based): chr8:31,096,811, G>A. VCF-style: chr8-31096811-G-A. GRCh37 (hg19) VCF-style: chr8-30954327-G-A.
Other names: short protein forms G648S.
Identifiers: ClinVar variation 1361514 (VCV001361514.6), dbSNP rs780657433, ClinGen allele CA370929787.

ClinVar aggregate classification (germline): Uncertain significance (1 of 4 stars; one submission).

Conditions:
Werner syndrome (WRN). Identifiers: Orphanet 902, MedGen C0043119, MONDO:0010196, OMIM 277700.

Submission:

Labcorp Genetics (formerly Invitae), Labcorp
Classification: Uncertain significance for Werner syndrome. Last evaluated: 2020-12-30. Review status: criteria provided, single submitter. Criteria: Invitae Variant Classification Sherloc (09022015). Collection method: clinical testing. Allele origin: germline.
Comment: In summary, the available evidence is currently insufficient to determine the role of this variant in disease. Therefore, it has been classified as a Variant of Uncertain Significance. Algorithms developed to predict the effect of missense changes on protein structure and function output the following: SIFT: "Not Available"; PolyPhen-2: "Possibly Damaging"; Align-GVGD: "Not Available". The serine amino acid residue is found in multiple mammalian species, suggesting that this missense change does not adversely affect protein function. These predictions have not been confirmed by published functional studies and their clinical significance is uncertain. This variant has not been reported in the literature in individuals with WRN-related conditions. This variant is not present in population databases (ExAC no frequency). This sequence change replaces glycine with serine at codon 648 of the WRN protein (p.Gly648Ser). The glycine residue is moderately conserved and there is a small physicochemical difference between glycine and serine.